The following is an entry in ClinVar:

NM_005359.6(SMAD4):c.1048G>C (p.Val350Leu)

Gene: SMAD4 (SMAD family member 4; plus strand). Cytogenetic location: 18q21.2.
Variant type: single nucleotide variant.
Coding change: c.1048G>C on transcript NM_005359.6 (MANE Select); coding-DNA position 1048, G replaced by C.
Protein change: p.Val350Leu; replaces valine 350 with leucine.
Molecular consequence: missense variant. On other transcripts: non-coding transcript variant (2).
Genome position (GRCh38, 1-based): chr18:51,065,515, G>C. VCF-style: chr18-51065515-G-C. GRCh37 (hg19) VCF-style: chr18-48591885-G-C.
Other names: c.1048G>C, p.Val350Leu (NM_001407041.1, NM_001407042.1, NM_001407043.1); short protein forms V350L.
Identifiers: ClinVar variation 5029738 (VCV005029738.1).

ClinVar aggregate classification (germline): Uncertain significance (1 of 4 stars; one submission).

Conditions:
Familial thoracic aortic aneurysm and aortic dissection (TAAD). Also called: Thoracic aortic aneurysms and dissections. Identifiers: Orphanet 91387, MedGen C4707243, MONDO:0019625.
Hereditary cancer-predisposing syndrome. Also called: Neoplastic Syndromes, Hereditary; Tumor predisposition; Hereditary neoplastic syndrome; Hereditary Cancer Syndrome. Identifiers: Orphanet 140162, MedGen C0027672, MeSH D009386, MONDO:0015356.

Submission:

Ambry Genetics
Classification: Uncertain significance for Hereditary cancer-predisposing syndrome; Familial thoracic aortic aneurysm and aortic dissection. Last evaluated: 2026-07-06. Review status: criteria provided, single submitter. Criteria: Ambry Variant Classification Scheme 2023. Collection method: clinical testing. Allele origin: germline.
Comment: The p.V350L variant (also known as c.1048G>C), located in coding exon 8 of the SMAD4 gene, results from a G to C substitution at nucleotide position 1048. The valine at codon 350 is replaced by leucine, an amino acid with highly similar properties. This amino acid position is conserved. In addition, this alteration is predicted to be deleterious by in silico analysis. Based on the available evidence, the clinical significance of this variant remains unclear.